The following is an entry in ClinVar:

ClinVar aggregate classification (germline): Uncertain significance (1 of 4 stars; one submission).

Submission:

Labcorp Genetics (formerly Invitae), Labcorp
Classification: Uncertain significance. Last evaluated: 2022-06-20. Review status: criteria provided, single submitter. Criteria: Invitae Variant Classification Sherloc (09022015). Collection method: clinical testing. Allele origin: germline.
Comment: This variant, c.118_120dup, results in the insertion of 1 amino acid(s) of the GLRX5 protein (p.Gly40dup), but otherwise preserves the integrity of the reading frame. The frequency data for this variant in the population databases is considered unreliable, as metrics indicate poor data quality at this position in the gnomAD database. This variant has not been reported in the literature in individuals affected with GLRX5-related conditions. Experimental studies and prediction algorithms are not available or were not evaluated, and the functional significance of this variant is currently unknown. In summary, the available evidence is currently insufficient to determine the role of this variant in disease. Therefore, it has been classified as a Variant of Uncertain Significance.

NM_016417.3(GLRX5):c.109GGC[5] (p.Gly40dup)

Gene: GLRX5 (glutaredoxin 5; plus strand). Cytogenetic location: 14q32.13.
Variant type: Microsatellite.
Coding change: c.109GGC[5] on transcript NM_016417.3 (MANE Select); five copies in a row of the 3-base unit GGC starting at c.109; the reference has four copies in a row; one copy, 3 bases duplicated.
Protein change: p.Gly40dup; duplicates glycine 40.
Molecular consequence: inframe insertion.
Genome position (GRCh38, 1-based): chr14:95,535,207-95,535,209, GGC duplicated; duplicating any 3 consecutive bases within chr14:95,535,198-95,535,209 gives the same sequence; the position shown is the placement nearest the transcript's 3' end. VCF-style (leftmost placement, unchanged base first): chr14-95535197-G-GGGC. GRCh37 (hg19) VCF-style: chr14-96001534-G-GGGC.
Identifiers: ClinVar variation 1386562 (VCV001386562.5), dbSNP rs750771696, ClinGen allele CA7333879.